The following is an entry in ClinVar:

ClinVar aggregate classification (germline): Pathogenic (1 of 4 stars; one submission).

Conditions:
Congenital sideroblastic anemia-B-cell immunodeficiency-periodic fever-developmental delay syndrome. Also called: Sideroblastic anemia with B-cell immunodeficiency, periodic fevers, and developmental delay. Identifiers: Orphanet 369861, MedGen C4015172, MONDO:0014487, OMIM 616084.

Submission:

Labcorp Genetics (formerly Invitae), Labcorp
Classification: Pathogenic for Congenital sideroblastic anemia-B-cell immunodeficiency-periodic fever-developmental delay syndrome. Last evaluated: 2022-09-27. Review status: criteria provided, single submitter. Criteria: Invitae Variant Classification Sherloc (09022015). Collection method: clinical testing. Allele origin: germline.
Comment: For these reasons, this variant has been classified as Pathogenic. This sequence change creates a premature translational stop signal (p.Phe325*) in the TRNT1 gene. It is expected to result in an absent or disrupted protein product. Loss-of-function variants in TRNT1 are known to be pathogenic (PMID: 25193871). This variant is present in population databases (no rsID available, gnomAD 0.0009%). This variant has not been reported in the literature in individuals affected with TRNT1-related conditions.

Literature cited by the submitters: PubMed 25193871.

NM_182916.3(TRNT1):c.974_977del (p.Leu324_Phe325insTer)

Gene: TRNT1 (tRNA nucleotidyl transferase 1; plus strand). Cytogenetic location: 3p26.2.
Variant type: Microsatellite.
Coding change: c.974_977del on transcript NM_182916.3 (MANE Select); coding-DNA positions 974 to 977, 4 bases deleted (TTAT; older notation c.974_977delTTAT).
Protein change: p.Leu324_Phe325insTer.
Molecular consequence: nonsense. On other transcripts: non-coding transcript variant (8).
Genome position (GRCh38, 1-based): chr3:3,147,621-3,147,624, TTAT deleted; deleting any 4 consecutive bases within chr3:3,147,617-3,147,624 gives the same sequence; the c. name uses the placement nearest the transcript's 3' end. VCF-style (leftmost placement, unchanged base first): chr3-3147616-CTTAT-C. GRCh37 (hg19) VCF-style: chr3-3189300-CTTAT-C.
Other names: c.914_917del, p.Leu304_Phe305insTer (NM_001302946.2); c.974_977del, p.Leu324_Phe325insTer (NM_001367321.1, NM_001367322.1, NM_001367323.1).
Identifiers: ClinVar variation 1428404 (VCV001428404.6), dbSNP rs1249830698, ClinGen allele CA541117357.